The following is an entry in ClinVar:

ClinVar aggregate classification (germline): Pathogenic (1 of 4 stars; one submission).

Submission:

Labcorp Genetics (formerly Invitae), Labcorp
Classification: Pathogenic. Last evaluated: 2023-07-07. Review status: criteria provided, single submitter. Criteria: Invitae Variant Classification Sherloc (09022015). Collection method: clinical testing. Allele origin: unknown.
Comment: For these reasons, this variant has been classified as Pathogenic. This variant disrupts a region of the SLC38A8 protein in which other variant(s) (p.Asp283Ala) have been determined to be pathogenic (PMID: 28546991, 29345414, 33498813; Invitae). This suggests that this is a clinically significant region of the protein, and that variants that disrupt it are likely to be disease-causing. This variant has not been reported in the literature in individuals affected with SLC38A8-related conditions. This variant is a gross deletion of the genomic region encompassing exon(s) 3-10 of the SLC38A8 gene, which includes the termination codon. This deletion extends beyond the assayed region for this gene and therefore may encompass additional genes. While this deletion is not anticipated to lead to nonsense mediated decay, it is expected to alter mRNA translation or result in a truncated protein product.

Literature cited by the submitters: PubMed 28546991; PubMed 29345414; PubMed 33498813.

NC_000016.9:g.(?_84043389)_(84067094_?)del

Gene: SLC38A8 (solute carrier family 38 member 8; minus strand). Cytogenetic location: 16q23.3.
Variant type: Deletion.
Identifiers: ClinVar variation 3243598 (VCV003243598.1).